The following is an entry in ClinVar:

ClinVar aggregate classification (germline): Uncertain significance. Review status: criteria provided, multiple submitters, no conflicts (2 of 4 stars). 2 submissions from 2 submitters: Uncertain significance (2). Last evaluated 2022-08-09.

Conditions:
Episodic ataxia type 2 (EA2). Also called: ATAXIA, EPISODIC, WITH NYSTAGMUS; ATAXIA, FAMILIAL PAROXYSMAL; CEREBELLAR ATAXIA, PAROXYSMAL, ACETAZOLAMIDE-RESPONSIVE; CEREBELLOPATHY, HEREDITARY PAROXYSMAL; EPISODIC ATAXIA, NYSTAGMUS-ASSOCIATED; ACETAZOLAMIDE-RESPONSIVE HEREDITARY PAROXYSMAL CEREBELLAR ATAXIA. Identifiers: Orphanet 97, MedGen C1720416, MONDO:0007163, OMIM 108500.
Developmental and epileptic encephalopathy, 42 (DEE42A). Also called: Epileptic encephalopathy, early infantile, 42; DEVELOPMENTAL AND EPILEPTIC ENCEPHALOPATHY 42A; EPILEPTIC ENCEPHALOPATHY, EARLY INFANTILE, 42A. Identifiers: MedGen C4310716, MONDO:0014917, OMIM 617106.

Allele frequency attached by ClinVar (database versions not stated): gnomAD exomes below 0.00001; TOPMed below 0.00001; gnomAD 0.00001.
gnomAD v4.1: 5 of 1,610,670 alleles (0.00031%); highest among the groups gnomAD compares: East Asian, 0.0022%; no homozygotes.

Submissions (2):

Labcorp Genetics (formerly Invitae), Labcorp
Classification: Uncertain significance for Developmental and epileptic encephalopathy, 42; Episodic ataxia type 2. Last evaluated: 2022-08-09. Review status: criteria provided, single submitter. Criteria: Invitae Variant Classification Sherloc (09022015). Collection method: clinical testing. Allele origin: germline.
Comment: This sequence change falls in intron 13 of the CACNA1A gene. It does not directly change the encoded amino acid sequence of the CACNA1A protein. This variant is not present in population databases (gnomAD no frequency). This variant has not been reported in the literature in individuals affected with CACNA1A-related conditions. ClinVar contains an entry for this variant (Variation ID: 426676). Algorithms developed to predict the effect of sequence changes on RNA splicing suggest that this variant may create or strengthen a splice site. In summary, the available evidence is currently insufficient to determine the role of this variant in disease. Therefore, it has been classified as a Variant of Uncertain Significance.

GeneDx
Classification: Uncertain significance. Last evaluated: 2018-08-27. Review status: criteria provided, single submitter. Criteria: GeneDx Variant Classification (06012015). Collection method: clinical testing. Allele origin: germline. Affected: yes.
Comment: The c.1785-5G>A variant in the CACNA1A gene has not been reported previously as a pathogenic variant, nor as a benign variant, to our knowledge. Some splice predictor models indicate that this sequence change may either damage the natural splice acceptor site in intron 13 or create a cryptic splice acceptor site, which may cause abnormal gene splicing. However, in the absence of RNA/functional studies, the actual effect of c.1785-5G>A in this individual is unknown. The c.1785-5G>A variant is not observed in large population cohorts (Lek et al., 2016; 1000 Genomes Consortium et al., 2015; Exome Variant Server). We interpret c.1785-5G>A as a variant of uncertain significance.

NM_001127222.2(CACNA1A):c.1782-5G>A

Gene: CACNA1A (calcium voltage-gated channel subunit alpha1 A; minus strand). Cytogenetic location: 19p13.13.
Variant type: single nucleotide variant.
Coding change: c.1782-5G>A on transcript NM_001127222.2 (MANE Select); 5 bases into the intron before coding-DNA position 1782, G replaced by A.
Molecular consequence: intron variant.
Genome position (GRCh38, 1-based): chr19:13,308,256, C>T on the plus strand (G>A on the coding strand, the complement: CACNA1A is on the minus strand). VCF-style: chr19-13308256-C-T. GRCh37 (hg19) VCF-style: chr19-13419070-C-T.
Other names: c.1785-5G>A (NM_001127221.2, NM_001174080.2, NM_000068.4 and 1 more transcripts).
Identifiers: ClinVar variation 426676 (VCV000426676.8), dbSNP rs1085307739, ClinGen allele CA645294120.